The following is an entry in ClinVar:

NM_004247.4(EFTUD2):c.1188A>C (p.Leu396=)

Gene: EFTUD2 (elongation factor Tu GTP binding domain containing 2; minus strand). Cytogenetic location: 17q21.31.
Variant type: single nucleotide variant.
Coding change: c.1188A>C on transcript NM_004247.4 (MANE Select); coding-DNA position 1188, A replaced by C.
Protein change: p.Leu396=; no amino-acid change (leucine 396 retained).
Molecular consequence: synonymous variant.
Genome position (GRCh38, 1-based): chr17:44,865,027, T>G on the plus strand (A>C on the coding strand, the complement: EFTUD2 is on the minus strand). VCF-style: chr17-44865027-T-G. GRCh37 (hg19) VCF-style: chr17-42942395-T-G.
Other names: c.1083A>C, p.Leu361= (NM_001142605.2); c.1188A>C, p.Leu396= (NM_001258353.2); c.1158A>C, p.Leu386= (NM_001258354.2).
Identifiers: ClinVar variation 2075341 (VCV002075341.30), dbSNP rs759178356, ClinGen allele CA8607847.

ClinVar aggregate classification (germline): Likely benign. Review status: criteria provided, multiple submitters, no conflicts (2 of 4 stars). 4 submissions from 4 submitters: Likely benign (4). Last evaluated 2026-06-01.

Allele frequency attached by ClinVar (database versions not stated): TOPMed 0.00003; gnomAD exomes 0.00004; ExAC 0.00005; gnomAD 0.00005.

Submissions (4):

CeGaT Center for Human Genetics Tuebingen
Classification: Likely benign. Last evaluated: 2026-06-01. Review status: criteria provided, single submitter. Criteria: CeGaT Center For Human Genetics Tuebingen Variant Classification Criteria Version 2. Collection method: clinical testing. Allele origin: germline. Affected: yes. Observed: 2 variant alleles.
Comment: EFTUD2: BP4, BP7

Labcorp Genetics (formerly Invitae), Labcorp
Classification: Likely benign. Last evaluated: 2023-12-15. Review status: criteria provided, single submitter. Criteria: Invitae Variant Classification Sherloc (09022015). Collection method: clinical testing. Allele origin: germline.

Blueprint Genetics
Classification: Likely benign. Last evaluated: 2023-11-16. Review status: criteria provided, single submitter. Criteria: ACMG Guidelines, 2015. Collection method: clinical testing. Allele origin: germline.

Breakthrough Genomics
Classification: Likely benign. Review status: criteria provided, single submitter. Criteria: ACMG Guidelines, 2015. Collection method: not provided. Allele origin: germline. Inheritance: Autosomal dominant inheritance. Affected: yes.